The following is an entry in ClinVar:

ClinVar aggregate classification (germline): Benign. Review status: criteria provided, multiple submitters, no conflicts (2 of 4 stars). 4 submissions from 4 submitters: Benign (3). 1 of the submissions does not count toward it. Last evaluated 2021-05-04.

Conditions:
NUP155-related disorder. Also called: NUP155-related condition.

Allele frequency attached by ClinVar (database versions not stated): gnomAD exomes 0.00274 and 0.00756; ExAC 0.00954; gnomAD 0.02892 and 0.03119; 1000 Genomes Project 0.02995; 1000 Genomes Project 30x 0.03295; TOPMed 0.03370; ESP Exome Variant Server 0.03375.
gnomAD v4.1: 8,575 of 1,613,776 alleles (0.53%); highest among the groups gnomAD compares: African/African-American, 10%; 418 homozygotes.

Submissions (4):

GeneDx
Classification: Benign. Last evaluated: 2021-05-04. Review status: criteria provided, single submitter. Criteria: GeneDx Variant Classification Process June 2021. Collection method: clinical testing. Allele origin: germline. Affected: yes.

Labcorp Genetics (formerly Invitae), Labcorp
Classification: Benign. Last evaluated: 2019-12-31. Review status: criteria provided, single submitter. Criteria: Invitae Variant Classification Sherloc (09022015). Collection method: clinical testing. Allele origin: germline.

Breakthrough Genomics
Classification: Benign. Review status: criteria provided, single submitter. Criteria: ACMG Guidelines, 2015. Collection method: not provided. Allele origin: germline. Inheritance: Autosomal recessive inheritance. Affected: yes.

PreventionGenetics, part of Exact Sciences
Classification: Benign for NUP155-related condition. Last evaluated: 2019-09-25. Review status: no assertion criteria provided. Collection method: clinical testing. Allele origin: germline. Not counted in ClinVar's aggregate classification.
Comment: This variant is classified as benign based on ACMG/AMP sequence variant interpretation guidelines (Richards et al. 2015 PMID: 25741868, with internal and published modifications).

NM_153485.3(NUP155):c.2517T>C (p.Ala839=)

Gene: NUP155 (nucleoporin 155; minus strand). Cytogenetic location: 5p13.2.
Variant type: single nucleotide variant.
Coding change: c.2517T>C on transcript NM_153485.3 (MANE Select); coding-DNA position 2517, T replaced by C.
Protein change: p.Ala839=; no amino-acid change (alanine 839 retained).
Molecular consequence: synonymous variant. On other transcripts: intron variant (1).
Genome position (GRCh38, 1-based): chr5:37,310,663, A>G on the plus strand (T>C on the coding strand, the complement: NUP155 is on the minus strand). VCF-style: chr5-37310663-A-G. GRCh37 (hg19) VCF-style: chr5-37310765-A-G.
Other names: c.2340T>C, p.Ala780= (NM_004298.4); c.2437-1396T>C (NM_001278312.2).
Identifiers: ClinVar variation 776040 (VCV000776040.8), dbSNP rs53429, ClinGen allele CA3239690.